The following is an entry in ClinVar:

NM_001190737.2(NFIB):c.974G>C (p.Ser325Thr)

Gene: NFIB (nuclear factor I B; minus strand). Cytogenetic location: 9p23.
Variant type: single nucleotide variant.
Coding change: c.974G>C on transcript NM_001190737.2 (MANE Select); coding-DNA position 974, G replaced by C.
Protein change: p.Ser325Thr; replaces serine 325 with threonine.
Molecular consequence: missense variant. On other transcripts: non-coding transcript variant (4).
Genome position (GRCh38, 1-based): chr9:14,125,718, C>G on the plus strand (G>C on the coding strand, the complement: NFIB is on the minus strand). VCF-style: chr9-14125718-C-G. GRCh37 (hg19) VCF-style: chr9-14125717-C-G.
Other names: c.1052G>C, p.Ser351Thr (NM_001190738.2); c.218G>C, p.Ser73Thr (NM_001282787.2); c.1040G>C, p.Ser347Thr (NM_001369458.1, NM_001369459.1, NM_001369462.1 and 1 more transcripts); c.962G>C, p.Ser321Thr (NM_001369460.1, NM_001369463.1, NM_001369466.1 and 2 more transcripts); c.974G>C, p.Ser325Thr (NM_001369461.1, NM_001369464.1, NM_001369471.1 and 2 more transcripts); c.947G>C, p.Ser316Thr (NM_001369465.1, NM_001369467.1, NM_001369476.1); c.830G>C, p.Ser277Thr (NM_001369469.1); c.737G>C, p.Ser246Thr (NM_001369470.1, NM_001369478.1); and 4 more; short protein forms S146T, S246T, S250T, S277T, S307T, S316T, S320T, S321T.
Identifiers: ClinVar variation 4975282 (VCV004975282.1).

ClinVar aggregate classification (germline): Uncertain significance (1 of 4 stars; one submission).

Submission:

GeneDx
Classification: Uncertain significance. Last evaluated: 2026-01-29. Review status: criteria provided, single submitter. Criteria: GeneDx Variant Classification Process June 2021. Collection method: clinical testing. Allele origin: germline.
Comment: Not observed at significant frequency in large population cohorts (gnomAD); In silico analysis suggests that this missense variant does not alter protein structure/function; Has not been previously published as pathogenic or benign to our knowledge